The following is an entry in ClinVar:

ClinVar aggregate classification (germline): Uncertain significance (1 of 4 stars; one submission).

Submission:

Labcorp Genetics (formerly Invitae), Labcorp
Classification: Uncertain significance. Last evaluated: 2025-06-12. Review status: criteria provided, single submitter. Criteria: Invitae Variant Classification Sherloc (09022015). Collection method: clinical testing. Allele origin: germline.
Comment: This sequence change replaces valine, which is neutral and non-polar, with isoleucine, which is neutral and non-polar, at codon 800 of the ADCY10 protein (p.Val800Ile). Information on the frequency of this variant in the gnomAD database is not available, as this variant may be reported differently in the database. This variant has not been reported in the literature in individuals affected with ADCY10-related conditions. ClinVar contains an entry for this variant (Variation ID: 2184635). Experimental studies and prediction algorithms are not available or were not evaluated, and the functional significance of this variant is currently unknown. In summary, the available evidence is currently insufficient to determine the role of this variant in disease. Therefore, it has been classified as a Variant of Uncertain Significance.

NM_018417.6(ADCY10):c.2397_2398inv (p.Val800Ile)

Gene: ADCY10 (adenylate cyclase 10; minus strand). Cytogenetic location: 1q24.2.
Variant type: Inversion.
Coding change: c.2397_2398inv on transcript NM_018417.6 (MANE Select).
Protein change: p.Val800Ile; replaces valine 800 with isoleucine.
Molecular consequence: missense variant.
Genome position: GRCh38 VCF-style: chr1-167848400-CA-TG. GRCh37 (hg19) VCF-style: chr1-167817638-CA-TG.
Other names: c.1938_1939inv, p.Val647Ile (NM_001167749.3); c.2121_2122inv, p.Val708Ile (NM_001297772.2); short protein forms V647I, V800I, V708I.
Identifiers: ClinVar variation 2184635 (VCV002184635.4), ClinGen allele CA2580061359.